The following is an entry in ClinVar:

ClinVar aggregate classification (germline): Benign/Likely benign. Review status: criteria provided, multiple submitters, no conflicts (2 of 4 stars). 3 submissions from 3 submitters: Benign (1); Likely benign (2). Last evaluated 2025-06-03.

Conditions:
Tuberous sclerosis 2 (TSC2). Identifiers: Orphanet 805, MedGen C1860707, MONDO:0013199, OMIM 613254.
Hereditary cancer-predisposing syndrome. Also called: Neoplastic Syndromes, Hereditary; Hereditary neoplastic syndrome; Tumor predisposition; Hereditary Cancer Syndrome. Identifiers: Orphanet 140162, MedGen C0027672, MeSH D009386, MONDO:0015356.

Submissions (3):

Myriad Genetics, Inc.
Classification: Benign for Tuberous sclerosis 2. Last evaluated: 2025-06-03. Review status: criteria provided, single submitter. Criteria: Myriad Autosomal Dominant, Autosomal Recessive and X-Linked Classification Criteria (2023). Collection method: clinical testing. Allele origin: unknown.
Comment: This variant is considered benign. This variant is a silent/synonymous amino acid change and it is not expected to impact splicing.

Labcorp Genetics (formerly Invitae), Labcorp
Classification: Likely benign for Tuberous sclerosis 2. Last evaluated: 2025-05-07. Review status: criteria provided, single submitter. Criteria: Invitae Variant Classification Sherloc (09022015). Collection method: clinical testing. Allele origin: germline.

Ambry Genetics
Classification: Likely benign for Hereditary cancer-predisposing syndrome. Last evaluated: 2022-11-04. Review status: criteria provided, single submitter. Criteria: Ambry Variant Classification Scheme 2023. Collection method: clinical testing. Allele origin: germline.

NM_000548.5(TSC2):c.4167C>A (p.Pro1389=)

Gene: TSC2 (TSC complex subunit 2; plus strand). Cytogenetic location: 16p13.3.
Variant type: single nucleotide variant.
Coding change: c.4167C>A on transcript NM_000548.5 (MANE Select); coding-DNA position 4167, C replaced by A.
Protein change: p.Pro1389=; no amino-acid change (proline 1389 retained).
Molecular consequence: synonymous variant.
Genome position (GRCh38, 1-based): chr16:2,084,389, C>A. VCF-style: chr16-2084389-C-A. GRCh37 (hg19) VCF-style: chr16-2134390-C-A.
Other names: c.3966C>A, p.Pro1322= (NM_001077183.3); c.4098C>A, p.Pro1366= (NM_001114382.3); c.3858C>A, p.Pro1286= (NM_001318827.2); c.3822C>A, p.Pro1274= (NM_001318829.2); c.3435C>A, p.Pro1145= (NM_001318831.2); c.3999C>A, p.Pro1333= (NM_001318832.2); c.3969C>A, p.Pro1323= (NM_001363528.2); c.4035C>A, p.Pro1345= (NM_001370404.1); and 1 more.
Identifiers: ClinVar variation 846354 (VCV000846354.12), dbSNP rs45508504, ClinGen allele CA493043138.